The following is an entry in ClinVar:

ClinVar aggregate classification (germline): Conflicting classifications of pathogenicity. Review status: criteria provided, conflicting classifications (1 of 4 stars). 2 submissions from 2 submitters: Uncertain significance (1); Likely benign (1). Last evaluated 2025-01-21.

Conditions:
Autosomal recessive severe congenital neutropenia due to CSF3R deficiency. Also called: Neutropenia, severe congenital, 7, autosomal recessive. Identifiers: Orphanet 420702, MedGen C4310764, MONDO:0014865, OMIM 617014.
Inborn genetic diseases. Identifiers: MedGen C0950123, MeSH D030342.

Allele frequency attached by ClinVar (database versions not stated): gnomAD exomes below 0.00001 and 0.00001; gnomAD 0.00005 and 0.00006; TOPMed 0.00010.
gnomAD v4.1: 14 of 1,614,032 alleles (0.00087%); highest among the groups gnomAD compares: Admixed American, 0.017%; no homozygotes.

Submissions (2):

Labcorp Genetics (formerly Invitae), Labcorp
Classification: Uncertain significance for Autosomal recessive severe congenital neutropenia due to CSF3R deficiency. Last evaluated: 2025-01-21. Review status: criteria provided, single submitter. Criteria: Invitae Variant Classification Sherloc (09022015). Collection method: clinical testing. Allele origin: germline.
Comment: This sequence change replaces cysteine, which is neutral and slightly polar, with serine, which is neutral and polar, at codon 187 of the CSF3R protein (p.Cys187Ser). The frequency data for this variant in the population databases is considered unreliable, as metrics indicate poor data quality at this position in the gnomAD database. This variant has not been reported in the literature in individuals affected with CSF3R-related conditions. ClinVar contains an entry for this variant (Variation ID: 1406074). Invitae Evidence Modeling of protein sequence and biophysical properties (such as structural, functional, and spatial information, amino acid conservation, physicochemical variation, residue mobility, and thermodynamic stability) indicates that this missense variant is not expected to disrupt CSF3R protein function with a negative predictive value of 80%. In summary, the available evidence is currently insufficient to determine the role of this variant in disease. Therefore, it has been classified as a Variant of Uncertain Significance.

Ambry Genetics
Classification: Likely benign for Inborn genetic diseases. Last evaluated: 2024-01-16. Review status: criteria provided, single submitter. Criteria: Ambry Variant Classification Scheme 2023. Collection method: clinical testing. Allele origin: germline.

NM_000760.4(CSF3R):c.560G>C (p.Cys187Ser)

Gene: CSF3R (colony stimulating factor 3 receptor; minus strand). Cytogenetic location: 1p34.3.
Variant type: single nucleotide variant.
Coding change: c.560G>C on transcript NM_000760.4 (MANE Select); coding-DNA position 560, G replaced by C.
Protein change: p.Cys187Ser; replaces cysteine 187 with serine.
Molecular consequence: missense variant.
Genome position (GRCh38, 1-based): chr1:36,473,548, C>G on the plus strand (G>C on the coding strand, the complement: CSF3R is on the minus strand). VCF-style: chr1-36473548-C-G. GRCh37 (hg19) VCF-style: chr1-36939149-C-G.
Other names: c.560G>C (NM_000760.3); c.560G>C, p.Cys187Ser (NM_156039.3, NM_172313.3); short protein forms C187S.
Identifiers: ClinVar variation 1406074 (VCV001406074.9), dbSNP rs949262067, ClinGen allele CA20749922.
Genomic context (GRCh38, chr1:36,473,548, plus strand): 5'-TTCTCTGCCTGCACCCAGATGCCCATATTCTGGTACAACAGCAGGTGTTTGCGTGGGATG[C>G]AGCAGTGGCTCTGCCCGTCCTTGGGCACGCAGTCCAGGATGGAGTCCCCTTGGGTCTGAC-3'
Protein context (NP_000751.1, residues 177-197): CVPKDGQSHC[Cys187Ser]IPRKHLLLYQ